The following is an entry in ClinVar:

NM_006947.4(SRP72):c.1096G>A (p.Asp366Asn)

Gene: SRP72 (signal recognition particle 72; plus strand). Cytogenetic location: 4q12.
Variant type: single nucleotide variant.
Coding change: c.1096G>A on transcript NM_006947.4 (MANE Select); coding-DNA position 1096, G replaced by A.
Protein change: p.Asp366Asn; replaces aspartic acid 366 with asparagine.
Molecular consequence: missense variant. On other transcripts: non-coding transcript variant (1).
Genome position (GRCh38, 1-based): chr4:56,486,334, G>A. VCF-style: chr4-56486334-G-A. GRCh37 (hg19) VCF-style: chr4-57352500-G-A.
Other names: c.913G>A, p.Asp305Asn (NM_001267722.2); short protein forms D305N, D366N.
Identifiers: ClinVar variation 3449413 (VCV003449413.1).
Genomic context (GRCh38, chr4:56,486,334, plus strand): 5'-TAGTTGTGTAAATTAAATGTGATTTTTTTCCCCCAAACTAAAAAAATTTAGGAATTTTCA[G>A]ATCAGCATCCAGAAAATGCAGCTGAAATTAAGCTGACCATGGCACAGTTGAAAATTTCTC-3'
Protein context (NP_008878.3, residues 356-376): KAIELLQEFS[Asp366Asn]QHPENAAEIK

ClinVar aggregate classification (germline): Uncertain significance (1 of 4 stars; one submission).

Submission:

Ambry Genetics
Classification: Uncertain significance. Last evaluated: 2024-11-27. Review status: criteria provided, single submitter. Criteria: Ambry Variant Classification Scheme 2023. Collection method: clinical testing. Allele origin: germline.
Comment: The p.D366N variant (also known as c.1096G>A), located in coding exon 11 of the SRP72 gene, results from a G to A substitution at nucleotide position 1096. The aspartic acid at codon 366 is replaced by asparagine, an amino acid with highly similar properties. This amino acid position is conserved. In addition, this alteration is predicted to be tolerated by in silico analysis. Based on the available evidence, the clinical significance of this variant remains unclear.